The following is an entry in ClinVar:

NM_001015877.2(PHF6):c.132G>A (p.Lys44=)

Gene: PHF6 (PHD finger protein 6; plus strand). Cytogenetic location: Xq26.2.
Variant type: single nucleotide variant.
Coding change: c.132G>A on transcript NM_001015877.2 (MANE Select); coding-DNA position 132, G replaced by A.
Protein change: p.Lys44=; no amino-acid change (lysine 44 retained).
Molecular consequence: synonymous variant.
Genome position (GRCh38, 1-based): chrX:134,377,749, G>A. VCF-style: chrX-134377749-G-A. GRCh37 (hg19) VCF-style: chrX-133511779-G-A.
Other names: c.132G>A, p.Lys44= (NM_032335.3, NM_032458.3).
Identifiers: ClinVar variation 728761 (VCV000728761.9), dbSNP rs759708359, ClinGen allele CA10521141.

ClinVar aggregate classification (germline): Likely benign. Review status: criteria provided, multiple submitters, no conflicts (2 of 4 stars). 2 submissions from 2 submitters: Likely benign (2). Last evaluated 2025-09-02.

Conditions:
Borjeson-Forssman-Lehmann syndrome (BFLS). Also called: MENTAL RETARDATION, X-LINKED, SYNDROMIC, BORJESON-FORSSMAN-LEHMANN TYPE; MENTAL RETARDATION, EPILEPSY, AND ENDOCRINE DISORDERS; BORJESON SYNDROME. Identifiers: Orphanet 127, MedGen C0265339, MONDO:0010537, OMIM 301900.
PHF6-related disorder. Also called: PHF6-related condition.

Allele frequency attached by ClinVar (database versions not stated): gnomAD exomes 0.00001 and 0.00007; gnomAD 0.00002; ExAC 0.00006; TOPMed 0.00006.
gnomAD v4.1: 22 of 1,206,287 alleles (0.0018%); highest among the groups gnomAD compares: East Asian, 0.036%; no homozygotes.

Submissions (2):

Labcorp Genetics (formerly Invitae), Labcorp
Classification: Likely benign for Borjeson-Forssman-Lehmann syndrome. Last evaluated: 2025-09-02. Review status: criteria provided, single submitter. Criteria: Invitae Variant Classification Sherloc (09022015). Collection method: clinical testing. Allele origin: germline.

PreventionGenetics, part of Exact Sciences
Classification: Likely benign for PHF6-related condition. Last evaluated: 2025-04-25. Review status: criteria provided, single submitter. Criteria: ACMG Guidelines, 2015. Collection method: clinical testing. Allele origin: germline.
Comment: This variant is classified as likely benign based on ACMG/AMP sequence variant interpretation guidelines (Richards et al. 2015 PMID: 25741868, with internal and published modifications).